The following is an entry in ClinVar:

NM_001374736.1(DST):c.22558del (p.Leu7520fs)

Gene: DST (dystonin; minus strand). Cytogenetic location: 6p12.1.
Variant type: Deletion.
Coding change: c.22558del on transcript NM_001374736.1 (MANE Select); coding-DNA position 22558, one base deleted (C; older notation c.22558delC).
Protein change: p.Leu7520fs; shifts the reading frame from leucine 7520.
Molecular consequence: frameshift variant. On other transcripts: intron variant (1).
Genome position (GRCh38, 1-based): chr6:56,468,993, G deleted on the plus strand (C on the coding strand, the reverse complement: DST is on the minus strand); the first of 2 consecutive G bases (chr6:56,468,993-56,468,994); deleting either gives the same sequence. VCF-style (leftmost placement, unchanged base first): chr6-56468992-AG-A. GRCh37 (hg19) VCF-style: chr6-56333790-AG-A.
Other names: c.16201del, p.Leu5401fs (NM_001144769.5); c.15787del, p.Leu5263fs (NM_001144770.2); c.22558del, p.Leu7520fs (NM_001374722.1); c.21598del, p.Leu7200fs (NM_001374729.1); c.15340del, p.Leu5114fs (NM_001374730.1); c.22585del, p.Leu7529fs (NM_001374734.1); c.14689del, p.Leu4897fs (NM_015548.5); c.22558delC (NM_001374736.1); and 2 more; short protein forms L4897fs, L5114fs, L5223fs, L5263fs, L5401fs, L7200fs, L7520fs, L7529fs.
Identifiers: ClinVar variation 4845904 (VCV004845904.1).

ClinVar aggregate classification (germline): Likely pathogenic (1 of 4 stars; one submission).

Conditions:
Hereditary sensory and autonomic neuropathy type 6. Also called: HSAN VI; Neuropathy, hereditary sensory and autonomic, type VI. Identifiers: Orphanet 314381, MedGen C3539003, MONDO:0013839, OMIM 614653.

Submission:

First Genomix Gene Laboratory, Genetic Diagnostics Department
Classification: Likely pathogenic for Hereditary sensory and autonomic neuropathy type 6. Last evaluated: 2025-05-08. Review status: criteria provided, single submitter. Criteria: ACMG Guidelines, 2015. Collection method: clinical testing. Allele origin: germline. Inheritance: Autosomal recessive inheritance. Affected: yes. Observed: 1 variant allele.